The following is an entry in ClinVar:

ClinVar aggregate classification (germline): Likely benign. Review status: criteria provided, multiple submitters, no conflicts (2 of 4 stars). 3 submissions from 3 submitters: Likely benign (2). 1 of the submissions does not count toward it. Last evaluated 2025-08-01.

Conditions:
CHD8-related disorder. Also called: CHD8-related condition; CHD8-related disorders.

Allele frequency attached by ClinVar (database versions not stated): gnomAD 0.00001.
gnomAD v4.1: 13 of 1,502,310 alleles (0.00087%); highest among the groups gnomAD compares: Admixed American, 0.015%; no homozygotes.

Submissions (3):

Labcorp Genetics (formerly Invitae), Labcorp
Classification: Likely benign. Last evaluated: 2025-08-01. Review status: criteria provided, single submitter. Criteria: Invitae Variant Classification Sherloc (09022015). Collection method: clinical testing. Allele origin: germline.

Breakthrough Genomics
Classification: Likely benign. Review status: criteria provided, single submitter. Criteria: ACMG Guidelines, 2015. Collection method: not provided. Allele origin: germline. Inheritance: Autosomal dominant inheritance. Affected: yes.

PreventionGenetics, part of Exact Sciences
Classification: Likely benign for CHD8-related condition. Last evaluated: 2021-12-04. Review status: no assertion criteria provided. Collection method: clinical testing. Allele origin: germline. Not counted in ClinVar's aggregate classification.
Comment: This variant is classified as likely benign based on ACMG/AMP sequence variant interpretation guidelines (Richards et al. 2015 PMID: 25741868, with internal and published modifications).

NM_001170629.2(CHD8):c.7533G>A (p.Leu2511=)

Gene: CHD8 (chromodomain helicase DNA binding protein 8; minus strand). Cytogenetic location: 14q11.2.
Variant type: single nucleotide variant.
Coding change: c.7533G>A on transcript NM_001170629.2 (MANE Select); coding-DNA position 7533, G replaced by A.
Protein change: p.Leu2511=; no amino-acid change (leucine 2511 retained).
Molecular consequence: synonymous variant.
Genome position (GRCh38, 1-based): chr14:21,385,826, C>T on the plus strand (G>A on the coding strand, the complement: CHD8 is on the minus strand). VCF-style: chr14-21385826-C-T. GRCh37 (hg19) VCF-style: chr14-21853985-C-T.
Other names: c.6696G>A, p.Leu2232= (NM_020920.4); c.7533G>A (NM_001170629.1).
Identifiers: ClinVar variation 2031804 (VCV002031804.7), dbSNP rs1012219606, ClinGen allele CA257584534.